The following is an entry in ClinVar:

NM_001267550.2(TTN):c.105554C>T (p.Thr35185Ile)

Genes: TTN-AS1 (TTN antisense RNA 1; plus strand), TTN (titin; minus strand), LOC129935184 (ATAC-STARR-seq lymphoblastoid active region 16809; plus strand). Cytogenetic location: 2q31.2.
Variant type: single nucleotide variant.
Coding change: c.105554C>T on transcript NM_001267550.2 (MANE Select); coding-DNA position 105554, C replaced by T.
Protein change: p.Thr35185Ile; replaces threonine 35185 with isoleucine.
Molecular consequence: missense variant.
Genome position (GRCh38, 1-based): chr2:178,531,061, G>A on the plus strand (C>T on the coding strand, the complement: TTN is on the minus strand). VCF-style: chr2-178531061-G-A. GRCh37 (hg19) VCF-style: chr2-179395788-G-A.
Other names: c.100631C>T, p.Thr33544Ile (NM_001256850.1); c.78359C>T, p.Thr26120Ile (NM_003319.4); c.97850C>T, p.Thr32617Ile (NM_133378.4); c.78734C>T, p.Thr26245Ile (NM_133432.3); c.78935C>T, p.Thr26312Ile (NM_133437.4); short protein forms T35185I, T32617I, T26312I, T26120I, T26245I, T33544I.
Identifiers: ClinVar variation 284120 (VCV000284120.9), dbSNP rs781567438, ClinGen allele CA1985238.

ClinVar aggregate classification (germline): Uncertain significance. Review status: criteria provided, multiple submitters, no conflicts (2 of 4 stars). 2 submissions from 2 submitters: Uncertain significance (2). Last evaluated 2022-08-22.

Conditions:
Autosomal recessive limb-girdle muscular dystrophy type 2J (LGMDR10). Also called: Limb-girdle muscular dystrophy, type 2J; MUSCULAR DYSTROPHY, LIMB-GIRDLE, AUTOSOMAL RECESSIVE 10. Identifiers: Orphanet 140922, MedGen C1837342, MONDO:0012127, OMIM 608807.
Dilated cardiomyopathy 1G (CMD1G). Identifiers: Orphanet 154, MedGen C1858763, MONDO:0011400, OMIM 604145.

Allele frequency attached by ClinVar (database versions not stated): gnomAD exomes below 0.00001; ExAC 0.00001.

Submissions (2):

Labcorp Genetics (formerly Invitae), Labcorp
Classification: Uncertain significance for Dilated cardiomyopathy 1G; Autosomal recessive limb-girdle muscular dystrophy type 2J. Last evaluated: 2022-08-22. Review status: criteria provided, single submitter. Criteria: Invitae Variant Classification Sherloc (09022015). Collection method: clinical testing. Allele origin: germline.
Comment: This sequence change replaces threonine, which is neutral and polar, with isoleucine, which is neutral and non-polar, at codon 35185 of the TTN protein (p.Thr35185Ile). This variant is present in population databases (rs781567438, gnomAD 0.0009%). This variant has not been reported in the literature in individuals affected with TTN-related conditions. In summary, the available evidence is currently insufficient to determine the role of this variant in disease. Therefore, it has been classified as a Variant of Uncertain Significance. This variant is located in the M band of TTN (PMID: 25589632). Variants in this region may be relevant for neuromuscular disorders, but have not been definitively shown to cause cardiomyopathy (PMID: 23975875). Experimental studies and prediction algorithms are not available or were not evaluated, and the functional significance of this variant is currently unknown. ClinVar contains an entry for this variant (Variation ID: 284120).

Eurofins Ntd Llc (ga)
Classification: Uncertain significance. Last evaluated: 2017-11-02. Review status: criteria provided, single submitter. Criteria: EGL Classification Definitions 2015. Collection method: clinical testing. Allele origin: germline. Observed: 1 variant allele, 1 heterozygote.

Literature cited by the submitters: PubMed 25589632 (cited by Labcorp Genetics (formerly Invitae), Labcorp); PubMed 23975875 (cited by Labcorp Genetics (formerly Invitae), Labcorp).